The following is an entry in ClinVar:

NM_005859.5(PURA):c.121G>A (p.Gly41Ser)

Gene: PURA (purine rich element binding protein A; plus strand). Cytogenetic location: 5q31.3.
Variant type: single nucleotide variant.
Coding change: c.121G>A on transcript NM_005859.5 (MANE Select); coding-DNA position 121, G replaced by A.
Protein change: p.Gly41Ser; replaces glycine 41 with serine.
Molecular consequence: missense variant.
Genome position (GRCh38, 1-based): chr5:140,114,302, G>A. VCF-style: chr5-140114302-G-A. GRCh37 (hg19) VCF-style: chr5-139493887-G-A.
Other names: short protein forms G41S.
Identifiers: ClinVar variation 4986178 (VCV004986178.1).
Genomic context (GRCh38, chr5:140,114,302, plus strand): 5'-CTGGGGCACCCCGGCTCGGGCTCAGGCTCCGGCGGGGGCGGTGGTGGCGGCGGGGGCGGC[G>A]GCGGCAGTGGCGGCGGCGGCGGCGGGGCCCCAGGGGGGCTGCAGCACGAGACGCAGGAGC-3'
Protein context (NP_005850.1, residues 31-51): GGGGGGGGGG[Gly41Ser]GSGGGGGGAP

ClinVar aggregate classification (germline): Uncertain significance (1 of 4 stars; one submission).

Conditions:
PURA-related disorder. Also called: PURA-related condition.

Submission:

PreventionGenetics, part of Exact Sciences
Classification: Uncertain significance for PURA-related condition. Last evaluated: 2025-12-10. Review status: criteria provided, single submitter. Criteria: ACMG Guidelines, 2015. Collection method: clinical testing. Allele origin: germline.
Comment: The PURA c.121G>A variant is predicted to result in the amino acid substitution p.Gly41Ser. To our knowledge, this variant has not been reported in the literature or in a large population database (gnomAD), indicating this variant is rare. At this time, the clinical significance of this variant is uncertain due to the absence of conclusive functional and genetic evidence.